The following is an entry in ClinVar:

ClinVar aggregate classification (germline): Pathogenic (0 of 4 stars; one submission).

Submission:

GenMed Metabolism Lab
Classification: Pathogenic. Review status: no assertion criteria provided. Collection method: not provided. Allele origin: unknown.
Comment: p.Trp298Ser, Neonatal
ClinVar note: Converted during submission from pathogenic to Pathogenic.

NM_000531.6(OTC):c.893G>C (p.Trp298Ser)

Gene: OTC (ornithine transcarbamylase; plus strand). Cytogenetic location: Xp11.4.
Variant type: single nucleotide variant.
Coding change: c.893G>C on transcript NM_000531.6 (MANE Select); coding-DNA position 893, G replaced by C.
Protein change: p.Trp298Ser; replaces tryptophan 298 with serine.
Molecular consequence: missense variant.
Genome position (GRCh38, 1-based): chrX:38,411,887, G>C. VCF-style: chrX-38411887-G-C. GRCh37 (hg19) VCF-style: chrX-38271140-G-C.
Other names: short protein forms W298S.
Identifiers: ClinVar variation 97349 (VCV000097349.2), dbSNP rs72558461, ClinGen allele CA224821.